The following is an entry in ClinVar:

ClinVar aggregate classification (germline): Conflicting classifications of pathogenicity. Review status: criteria provided, conflicting classifications (1 of 4 stars). 3 submissions from 3 submitters: Likely pathogenic (2); Uncertain significance (1). Last evaluated 2026-10-15.

Conditions:
SOX10-related disorder. Also called: SOX10-related condition.

Allele frequency attached by ClinVar (database versions not stated): gnomAD exomes below 0.00001.
gnomAD v4.1: 1 of 1,610,038 alleles (0.000062%); no homozygotes.

Submissions (3):

GeneDx
Classification: Likely pathogenic. Last evaluated: 2026-10-15. Review status: criteria provided, single submitter. Criteria: GeneDx Variant Classification Process June 2021. Collection method: clinical testing. Allele origin: germline.
Comment: Published functional studies suggest a damaging effect as this variant leads to reduced transactivation activity on MITF promoter (PMID: 25256313); Not observed at significant frequency in large population cohorts (gnomAD); In silico analysis supports that this missense variant has a deleterious effect on protein structure/function; This variant is associated with the following publications: (PMID: 36531499, 39119450, 25256313, 37493574, 41887743)

Labcorp Genetics (formerly Invitae), Labcorp
Classification: Uncertain significance. Last evaluated: 2024-01-12. Review status: criteria provided, single submitter. Criteria: Invitae Variant Classification Sherloc (09022015). Collection method: clinical testing. Allele origin: germline.
Comment: This sequence change replaces proline, which is neutral and non-polar, with leucine, which is neutral and non-polar, at codon 169 of the SOX10 protein (p.Pro169Leu). This variant is not present in population databases (gnomAD no frequency). This missense change has been observed in individual(s) with clinical features of SOX10-related conditions (PMID: 25256313). Advanced modeling of protein sequence and biophysical properties (such as structural, functional, and spatial information, amino acid conservation, physicochemical variation, residue mobility, and thermodynamic stability) performed at Invitae indicates that this missense variant is expected to disrupt SOX10 protein function with a positive predictive value of 80%. In summary, the available evidence is currently insufficient to determine the role of this variant in disease. Therefore, it has been classified as a Variant of Uncertain Significance.

Blueprint Genetics
Classification: Likely pathogenic for SOX10-related disorders. Last evaluated: 2021-04-13. Review status: criteria provided, single submitter. Criteria: ACMG Guidelines, 2015. Collection method: clinical testing. Allele origin: germline. Affected: yes. Observed: 1 variant allele.

Literature cited by the submitters: PubMed 25256313 (cited by Labcorp Genetics (formerly Invitae), Labcorp).

NM_006941.4(SOX10):c.506C>T (p.Pro169Leu)

Genes: POLR2F (RNA polymerase II, I and III subunit F; plus strand), SOX10 (SRY-box transcription factor 10; minus strand). Cytogenetic location: 22q13.1.
Variant type: single nucleotide variant.
Coding change: c.506C>T on transcript NM_006941.4 (MANE Select); coding-DNA position 506, C replaced by T.
Protein change: p.Pro169Leu; replaces proline 169 with leucine.
Molecular consequence: missense variant. On other transcripts: intron variant (3).
Genome position (GRCh38, 1-based): chr22:37,978,058, G>A on the plus strand (C>T on the coding strand, the complement: SOX10 is on the minus strand). VCF-style: chr22-37978058-G-A. GRCh37 (hg19) VCF-style: chr22-38374065-G-A.
Other names: c.*38+5748G>A (NM_001363825.1); c.294-8096G>A (NM_001301130.2); c.293+10888G>A (NM_001301131.2); short protein forms P169L.
Identifiers: ClinVar variation 2737041 (VCV002737041.6), dbSNP rs2145768498, ClinGen allele CA411497877.